The following is an entry in ClinVar:

ClinVar aggregate classification (germline): Conflicting classifications of pathogenicity. Review status: criteria provided, conflicting classifications (1 of 4 stars). 7 submissions from 5 submitters: Uncertain significance (1); Likely benign (6). Last evaluated 2026-01-31.

Conditions:
Hereditary cancer-predisposing syndrome. Also called: Hereditary Cancer Syndrome; Tumor predisposition; Neoplastic Syndromes, Hereditary; Hereditary neoplastic syndrome. Identifiers: Orphanet 140162, MedGen C0027672, MeSH D009386, MONDO:0015356.
Hyperparathyroidism 2 with jaw tumors. Also called: HYPERPARATHYROIDISM, FAMILIAL PRIMARY, WITH MULTIPLE OSSIFYING JAW FIBROMAS; HYPERPARATHYROIDISM-JAW TUMOR SYNDROME, HEREDITARY; Hyperparathyroidism 2; Hyperparathyroidism-Jaw Tumor Syndrome. Identifiers: Orphanet 99880, MedGen C1704981, MONDO:0007768, OMIM 145001.
Parathyroid carcinoma (PRTC). Also called: CDC73-Related Parathyroid Carcinoma; Parathyroid gland carcinoma. Identifiers: Orphanet 143, MedGen C0687150, MONDO:0012004, OMIM 608266, HP:0006780.
Hyperparathyroidism 1 (HRPT1). Also called: HYPERPARATHYROIDISM, FAMILIAL ISOLATED PRIMARY. Identifiers: Orphanet 99879, MedGen C1840402, MONDO:0007767, OMIM 145000.

Allele frequency attached by ClinVar (database versions not stated): TOPMed below 0.00001; gnomAD 0.00001 and 0.00002; ExAC 0.00002; gnomAD exomes 0.00003 and 0.00006.
gnomAD v4.1: 43 of 1,607,966 alleles (0.0027%); highest among the groups gnomAD compares: Admixed American, 0.012%; no homozygotes.

Submissions (7):

Labcorp Genetics (formerly Invitae), Labcorp
Classification: Likely benign for Parathyroid carcinoma. Last evaluated: 2026-01-31. Review status: criteria provided, single submitter. Criteria: Invitae Variant Classification Sherloc (09022015). Collection method: clinical testing. Allele origin: germline.

CeGaT Center for Human Genetics Tuebingen
Classification: Likely benign. Last evaluated: 2024-05-01. Review status: criteria provided, single submitter. Criteria: CeGaT Center For Human Genetics Tuebingen Variant Classification Criteria Version 2. Collection method: clinical testing. Allele origin: germline. Affected: yes. Observed: 1 variant allele.
Comment: CDC73: BP4, BP7

Blueprint Genetics
Classification: Likely benign. Last evaluated: 2022-10-28. Review status: criteria provided, single submitter. Criteria: ACMG Guidelines, 2015. Collection method: clinical testing. Allele origin: germline.

Ambry Genetics
Classification: Likely benign for Hereditary cancer-predisposing syndrome. Last evaluated: 2019-04-09. Review status: criteria provided, single submitter. Criteria: Ambry Variant Classification Scheme 2023. Collection method: clinical testing. Allele origin: germline.

Illumina Laboratory Services, Illumina
Classification: Likely benign for Hyperparathyroidism 2 with jaw tumors. Last evaluated: 2018-01-13. Review status: criteria provided, single submitter. Criteria: ICSL Variant Classification Criteria 13 December 2019. Collection method: clinical testing. Allele origin: germline.
Comment: This variant was observed in the ICSL laboratory as part of a predisposition screen in an ostensibly healthy population. It had not been previously curated by ICSL or reported in the Human Gene Mutation Database (HGMD: prior to June 1st, 2018), and was therefore a candidate for classification through an automated scoring system. Utilizing variant allele frequency, disease prevalence and penetrance estimates, and inheritance mode, an automated score was calculated to assess if this variant is too frequent to cause the disease. Based on the score and internal cut-off values, a variant classified as likely benign is not then subjected to further curation. The score for this variant resulted in a classification of likely benign for this disease.

Illumina Laboratory Services, Illumina
Classification: Likely benign for Parathyroid carcinoma. Last evaluated: 2018-01-13. Review status: criteria provided, single submitter. Criteria: ICSL Variant Classification Criteria 13 December 2019. Collection method: clinical testing. Allele origin: germline.
Comment: the same text as in the submission from Illumina Laboratory Services, Illumina above.

Illumina Laboratory Services, Illumina
Classification: Uncertain significance for Hyperparathyroidism 1. Last evaluated: 2018-01-13. Review status: criteria provided, single submitter. Criteria: ICSL Variant Classification Criteria 13 December 2019. Collection method: clinical testing. Allele origin: germline.

NM_024529.5(CDC73):c.201G>A (p.Val67=)

Gene: CDC73 (cell division cycle 73; plus strand). Cytogenetic location: 1q31.2.
Variant type: single nucleotide variant.
Coding change: c.201G>A on transcript NM_024529.5 (MANE Select); coding-DNA position 201, G replaced by A.
Protein change: p.Val67=; no amino-acid change (valine 67 retained).
Molecular consequence: synonymous variant.
Genome position (GRCh38, 1-based): chr1:193,125,181, G>A. VCF-style: chr1-193125181-G-A. GRCh37 (hg19) VCF-style: chr1-193094311-G-A.
Identifiers: ClinVar variation 294411 (VCV000294411.40), dbSNP rs752298916, ClinGen allele CA1303282.